The following is an entry in ClinVar:

ClinVar aggregate classification (germline): Likely benign. Review status: criteria provided, multiple submitters, no conflicts (2 of 4 stars). 4 submissions from 4 submitters: Likely benign (4). Last evaluated 2026-01-22.

Allele frequency attached by ClinVar (database versions not stated): gnomAD exomes 0.00146; ExAC 0.00182; 1000 Genomes Project 0.00759; 1000 Genomes Project 30x 0.00843.
gnomAD v4.1: 1,728 of 1,611,958 alleles (0.11%); highest among the groups gnomAD compares: African/African-American, 2.1%; 79 homozygotes.

Submissions (4):

Women's Health and Genetics/Laboratory Corporation of America, LabCorp
Classification: Likely benign. Last evaluated: 2026-01-22. Review status: criteria provided, single submitter. Criteria: LabCorp Variant Classification Summary - May 2015. Collection method: clinical testing. Allele origin: germline.

Mayo Clinic Laboratories, Mayo Clinic
Classification: Likely benign. Last evaluated: 2024-12-17. Review status: criteria provided, single submitter. Criteria: ACMG Guidelines, 2015. Collection method: clinical testing. Allele origin: germline. Observed: 34 variant alleles.
Comment: BS1, BP4

Genetic Services Laboratory, University of Chicago
Classification: Likely benign. Last evaluated: 2020-06-10. Review status: criteria provided, single submitter. Criteria: ACMG Guidelines, 2015. Collection method: clinical testing. Allele origin: germline. Affected: no.

Breakthrough Genomics
Classification: Likely benign. Review status: criteria provided, single submitter. Criteria: ACMG Guidelines, 2015. Collection method: not provided. Allele origin: germline. Inheritance: Unknown mechanism. Affected: yes.

Literature cited by the submitters: PubMed 29148534 (cited by Mayo Clinic Laboratories, Mayo Clinic).

NM_001201550.3(CFHR4):c.699G>C (p.Trp233Cys)

Gene: CFHR4 (complement factor H related 4; plus strand). Cytogenetic location: 1q31.3.
Variant type: single nucleotide variant.
Coding change: c.699G>C on transcript NM_001201550.3 (MANE Select); coding-DNA position 699, G replaced by C.
Protein change: p.Trp233Cys; replaces tryptophan 233 with cysteine.
Molecular consequence: missense variant. On other transcripts: intron variant (1).
Genome position (GRCh38, 1-based): chr1:196,907,398, G>C. VCF-style: chr1-196907398-G-C. GRCh37 (hg19) VCF-style: chr1-196876528-G-C.
Other names: p.Trp232Cys; c.696G>C, p.Trp232Cys (NM_001201551.2); c.256+4783G>C (NM_006684.5); short protein forms W232C, W233C.
Identifiers: ClinVar variation 1336288 (VCV001336288.6), dbSNP rs116119247, ClinGen allele CA1306910.